The following is an entry in ClinVar:

ClinVar aggregate classification (germline): Uncertain significance. Review status: criteria provided, multiple submitters, no conflicts (2 of 4 stars). 2 submissions from 2 submitters: Uncertain significance (2). Last evaluated 2025-07-29.

Conditions:
Intellectual developmental disorder, autosomal recessive 37. Also called: Intellectual disability-hypotonia-spasticity-sleep disorder syndrome. Identifiers: Orphanet 356996, MedGen C3809672, MONDO:0014210, OMIM 615493.

Allele frequency attached by ClinVar (database versions not stated): gnomAD 0.00001.
gnomAD v4.1: 43 of 1,614,014 alleles (0.0027%); highest among the groups gnomAD compares: South Asian, 0.044%; 1 homozygote.

Submissions (2):

Labcorp Genetics (formerly Invitae), Labcorp
Classification: Uncertain significance. Last evaluated: 2025-07-29. Review status: criteria provided, single submitter. Criteria: Invitae Variant Classification Sherloc (09022015). Collection method: clinical testing. Allele origin: germline.
Comment: This sequence change replaces asparagine, which is neutral and polar, with tyrosine, which is neutral and polar, at codon 357 of the ANK3 protein (p.Asn357Tyr). This variant is present in population databases (rs776335889, gnomAD 0.05%). This variant has not been reported in the literature in individuals affected with ANK3-related conditions. ClinVar contains an entry for this variant (Variation ID: 3065525). Invitae Evidence Modeling of protein sequence and biophysical properties (such as structural, functional, and spatial information, amino acid conservation, physicochemical variation, residue mobility, and thermodynamic stability) indicates that this missense variant is not expected to disrupt ANK3 protein function with a negative predictive value of 80%. In summary, the available evidence is currently insufficient to determine the role of this variant in disease. Therefore, it has been classified as a Variant of Uncertain Significance.

Genomic Medicine Center of Excellence, King Faisal Specialist Hospital and Research Centre
Classification: Uncertain significance for Intellectual developmental disorder, autosomal recessive 37. Last evaluated: 2024-03-26. Review status: criteria provided, single submitter. Criteria: ACMG Guidelines, 2015. Collection method: clinical testing. Allele origin: germline.

NM_020987.5(ANK3):c.1069A>T (p.Asn357Tyr)

Gene: ANK3 (ankyrin 3; minus strand). Cytogenetic location: 10q21.2.
Variant type: single nucleotide variant.
Coding change: c.1069A>T on transcript NM_020987.5 (MANE Select); coding-DNA position 1069, A replaced by T.
Protein change: p.Asn357Tyr; replaces asparagine 357 with tyrosine.
Molecular consequence: missense variant.
Genome position (GRCh38, 1-based): chr10:60,208,161, T>A on the plus strand (A>T on the coding strand, the complement: ANK3 is on the minus strand). VCF-style: chr10-60208161-T-A. GRCh37 (hg19) VCF-style: chr10-61967919-T-A.
Other names: c.1051A>T, p.Asn351Tyr (NM_001204403.2); c.1018A>T, p.Asn340Tyr (NM_001204404.2); c.1069A>T, p.Asn357Tyr (NM_001320874.2); short protein forms N340Y, N351Y, N357Y.
Identifiers: ClinVar variation 3065525 (VCV003065525.2), dbSNP rs776335889, ClinGen allele CA5513247.
Genomic context (GRCh38, chr10:60,208,161, plus strand): 5'-AGTGGGCAGCCACGTGTAGGGCAGTCAGGTAGTCATTGGTGACATCATCCACGGGTACAT[T>A]ATGCTGGAGGAGAAGCTGGACGCAGTTTAAATGATCCCCTTGTGTGGCCATGTGCAATGG-3'
Protein context (NP_066267.2, residues 347-367): LNCVQLLLQH[Asn357Tyr]VPVDDVTNDY